The following is an entry in ClinVar:

ClinVar aggregate classification (germline): Conflicting classifications of pathogenicity. Review status: criteria provided, conflicting classifications (1 of 4 stars). 4 submissions from 4 submitters: Uncertain significance (1); Benign (1); Likely benign (2). Last evaluated 2026-07-14.

Conditions:
KMT2D-related disorder. Also called: KMT2D-Related Disorders.
Kabuki syndrome 1 (KABUK1). Also called: KMT2D-Related Kabuki Syndrome. Identifiers: Orphanet 2322, MedGen CN030661, MONDO:0007843, OMIM 147920.
Choanal atresia-athelia-hypothyroidism-delayed puberty-short stature syndrome (BCAHH). Also called: BRANCHIAL ARCH ABNORMALITIES, CHOANAL ATRESIA, ATHELIA, HEARING LOSS, AND HYPOTHYROIDISM SYNDROME. Identifiers: Orphanet 589856, MedGen C5680310, MONDO:0035651, OMIM 620186.
Kabuki syndrome. Also called: Kabuki make-up syndrome; NIIKAWA-KUROKI SYNDROME. Identifiers: Orphanet 2322, MedGen C0796004, MONDO:0016512.

Allele frequency attached by ClinVar (database versions not stated): ExAC 0.00003; gnomAD exomes 0.00003 and 0.00005; gnomAD 0.00004 and 0.00005; TOPMed 0.00005.
gnomAD v4.1: 81 of 1,612,050 alleles (0.005%); highest among the groups gnomAD compares: Middle Eastern, 0.033%; no homozygotes.

Submissions (4):

PreventionGenetics, part of Exact Sciences
Classification: Uncertain significance for KMT2D-related condition. Last evaluated: 2026-07-14. Review status: criteria provided, single submitter. Criteria: ACMG Guidelines, 2015. Collection method: clinical testing. Allele origin: germline.
Comment: The KMT2D c.6323C>T variant is predicted to result in the amino acid substitution p.Pro2108Leu. To our knowledge, this variant has not been reported in the literature. This variant is reported in 0.012% of alleles in individuals of African descent in gnomAD. Although we suspect that this variant may be benign, at this time, the clinical significance of this variant is uncertain due to the absence of conclusive functional and genetic evidence.

Labcorp Genetics (formerly Invitae), Labcorp
Classification: Benign for Kabuki syndrome. Last evaluated: 2026-01-31. Review status: criteria provided, single submitter. Criteria: Invitae Variant Classification Sherloc (09022015). Collection method: clinical testing. Allele origin: germline.

Fulgent Genetics
Classification: Likely benign for Kabuki syndrome 1; Choanal atresia-athelia-hypothyroidism-delayed puberty-short stature syndrome. Last evaluated: 2024-02-07. Review status: criteria provided, single submitter. Criteria: ACMG Guidelines, 2015. Collection method: clinical testing. Allele origin: germline.

CeGaT Center for Human Genetics Tuebingen
Classification: Likely benign. Last evaluated: 2023-03-01. Review status: criteria provided, single submitter. Criteria: CeGaT Center For Human Genetics Tuebingen Variant Classification Criteria Version 2. Collection method: clinical testing. Allele origin: germline. Affected: yes. Observed: 1 variant allele.
Comment: KMT2D: PP2, BP4, BS2

NM_003482.4(KMT2D):c.6323C>T (p.Pro2108Leu)

Gene: KMT2D (lysine methyltransferase 2D; minus strand). Cytogenetic location: 12q13.12.
Variant type: single nucleotide variant.
Coding change: c.6323C>T on transcript NM_003482.4 (MANE Select); coding-DNA position 6323, C replaced by T.
Protein change: p.Pro2108Leu; replaces proline 2108 with leucine.
Molecular consequence: missense variant.
Genome position (GRCh38, 1-based): chr12:49,041,447, G>A on the plus strand (C>T on the coding strand, the complement: KMT2D is on the minus strand). VCF-style: chr12-49041447-G-A. GRCh37 (hg19) VCF-style: chr12-49435230-G-A.
Other names: c.6323C>T (NM_003482.3); short protein forms P2108L.
Identifiers: ClinVar variation 1483507 (VCV001483507.34), dbSNP rs774739665, ClinGen allele CA6547298.